The following is an entry in ClinVar:

ClinVar aggregate classification (germline): Uncertain significance (1 of 4 stars; one submission).

Conditions:
Hereditary breast ovarian cancer syndrome. Also called: Hereditary breast and ovarian cancer syndrome; Hereditary breast and ovarian cancer syndrome (HBOC); BRCA1- and BRCA2-Associated Hereditary Breast and Ovarian Cancer; Hereditary breast and ovarian cancer; Breast and ovarian cancer; Hereditary breast and/or ovarian cancer syndrome. Identifiers: Orphanet 145, MedGen C0677776, MeSH D061325, MONDO:0003582. Disease mechanism: loss of function.

Submission:

Labcorp Genetics (formerly Invitae), Labcorp
Classification: Uncertain significance for Hereditary breast ovarian cancer syndrome. Last evaluated: 2024-09-09. Review status: criteria provided, single submitter. Criteria: Invitae Variant Classification Sherloc (09022015). Collection method: clinical testing. Allele origin: germline.
Comment: This sequence change replaces serine, which is neutral and polar, with glycine, which is neutral and non-polar, at codon 1189 of the BRCA1 protein (p.Ser1189Gly). This variant is not present in population databases (gnomAD no frequency). This variant has not been reported in the literature in individuals affected with BRCA1-related conditions. Invitae Evidence Modeling of protein sequence and biophysical properties (such as structural, functional, and spatial information, amino acid conservation, physicochemical variation, residue mobility, and thermodynamic stability) indicates that this missense variant is not expected to disrupt BRCA1 protein function with a negative predictive value of 95%. In summary, the available evidence is currently insufficient to determine the role of this variant in disease. Therefore, it has been classified as a Variant of Uncertain Significance.

NM_007294.4(BRCA1):c.3565A>G (p.Ser1189Gly)

Genes: BRCA1 (BRCA1 DNA repair associated; minus strand), LOC126862571 (BRD4-independent group 4 enhancer GRCh37_chr17:41243136-41244335; plus strand). Cytogenetic location: 17q21.31.
Variant type: single nucleotide variant.
Coding change: c.3565A>G on transcript NM_007294.4 (MANE Select); coding-DNA position 3565, A replaced by G.
Protein change: p.Ser1189Gly; replaces serine 1189 with glycine.
Molecular consequence: missense variant. On other transcripts: intron variant (135).
Genome position (GRCh38, 1-based): chr17:43,091,966, T>C on the plus strand (A>G on the coding strand, the complement: BRCA1 is on the minus strand). VCF-style: chr17-43091966-T-C. GRCh37 (hg19) VCF-style: chr17-41243983-T-C.
Other names: c.3424A>G, p.Ser1142Gly (NM_007297.4, NM_001407692.1, NM_001407694.1 and 29 more transcripts); c.3565A>G, p.Ser1189Gly (NM_007300.4, NM_001407639.1, NM_001407640.1 and 30 more transcripts); c.647-934A>G (NM_001408458.1, NM_001408469.1, NM_001408453.1 and 11 more transcripts); c.284-934A>G (NM_001408512.1); c.407-934A>G (NM_001408510.1); c.644-934A>G (NM_001408470.1, NM_001408464.1, NM_001408468.1 and 3 more transcripts); c.785-934A>G (NM_001408397.1, NM_001408401.1, NM_001408396.1 and 13 more transcripts); c.665-934A>G (NM_001408436.1, NM_001408444.1, NM_001408438.1 and 12 more transcripts); and 41 more; short protein forms S1021G, S1100G, S1162G, S1188G, S893G, S1061G, S1077G, S1078G.
Identifiers: ClinVar variation 3634648 (VCV003634648.2).